The following is an entry in ClinVar:

ClinVar aggregate classification (germline): Benign/Likely benign. Review status: criteria provided, multiple submitters, no conflicts (2 of 4 stars). 7 submissions from 7 submitters: Benign (1); Likely benign (6). Last evaluated 2026-03-04.

Conditions:
Cardiovascular phenotype. Identifiers: MedGen CN230736.
RAF1-related disorder. Also called: RAF1-related condition; RAF1-related disorders.
RASopathy. Also called: Noonan spectrum disorder; rasopathies. Identifiers: Orphanet 536391, MedGen C5555857, MONDO:0021060.

Allele frequency attached by ClinVar (database versions not stated): ExAC 0.00001; gnomAD 0.00003 and 0.00004; TOPMed 0.00003; gnomAD exomes 0.00004 and 0.00005.
gnomAD v4.1: 77 of 1,614,008 alleles (0.0048%); highest among the groups gnomAD compares: South Asian, 0.0055%; no homozygotes.

Submissions (7):

PreventionGenetics, part of Exact Sciences
Classification: Likely benign for RAF1-related condition. Last evaluated: 2026-03-04. Review status: criteria provided, single submitter. Criteria: ACMG Guidelines, 2015. Collection method: clinical testing. Allele origin: germline.
Comment: This variant is classified as likely benign based on ACMG/AMP sequence variant interpretation guidelines (Richards et al. 2015 PMID: 25741868, with internal and published modifications).

Labcorp Genetics (formerly Invitae), Labcorp
Classification: Likely benign for RASopathy. Last evaluated: 2025-10-17. Review status: criteria provided, single submitter. Criteria: Invitae Variant Classification Sherloc (09022015). Collection method: clinical testing. Allele origin: germline.

Blueprint Genetics
Classification: Likely benign. Last evaluated: 2024-06-27. Review status: criteria provided, single submitter. Criteria: ACMG Guidelines, 2015. Collection method: clinical testing. Allele origin: germline.

Ambry Genetics
Classification: Likely benign for Cardiovascular phenotype. Last evaluated: 2020-12-10. Review status: criteria provided, single submitter. Criteria: Ambry Variant Classification Scheme 2023. Collection method: clinical testing. Allele origin: germline.

GeneDx
Classification: Likely benign. Last evaluated: 2019-05-09. Review status: criteria provided, single submitter. Criteria: GeneDx Variant Classification Process June 2021. Collection method: clinical testing. Allele origin: germline. Affected: yes.

Women's Health and Genetics/Laboratory Corporation of America, LabCorp
Classification: Benign. Last evaluated: 2018-01-22. Review status: criteria provided, single submitter. Criteria: LabCorp Variant Classification Summary - May 2015. Collection method: clinical testing. Allele origin: germline.
Comment: Variant summary: The RAF1 c.570C>T (p.Ile190Ile) variant involves the alteration of a non-conserved nucleotide, resulting in a synonymous change. One in silico tool predicts a damaging outcome for this variant. 5/5 splice prediction tools predict no significant impact on normal splicing. ESE finder predicts that this variant may affect ESE sites. However, these predictions have yet to be confirmed by functional studies. This variant was found in 9/246218 control chromosomes, predominantly observed in the European (Non-Finnish) subpopulation at a frequency of 0.000063 (7/111676). This frequency is about 3 times the estimated maximal expected allele frequency of a pathogenic RAF1 variant (0.000025), suggesting this is likely a benign polymorphism found primarily in the populations of European (Non-Finnish) origin. The variant of interest has not, to our knowledge, been reported in affected individuals via publications and/or reputable databases/clinical diagnostic laboratories; nor evaluated for functional impact by in vivo/vitro studies. Taken together, this variant is classified as benign.

Breakthrough Genomics
Classification: Likely benign. Review status: criteria provided, single submitter. Criteria: ACMG Guidelines, 2015. Collection method: not provided. Allele origin: germline. Inheritance: Autosomal dominant inheritance. Affected: yes.

NM_002880.4(RAF1):c.570C>T (p.Ile190=)

Gene: RAF1 (Raf-1 proto-oncogene, serine/threonine kinase; minus strand). Cytogenetic location: 3p25.2.
Variant type: single nucleotide variant.
Coding change: c.570C>T on transcript NM_002880.4 (MANE Select); coding-DNA position 570, C replaced by T.
Protein change: p.Ile190=; no amino-acid change (isoleucine 190 retained).
Molecular consequence: synonymous variant. On other transcripts: non-coding transcript variant (3).
Genome position (GRCh38, 1-based): chr3:12,608,777, G>A on the plus strand (C>T on the coding strand, the complement: RAF1 is on the minus strand). VCF-style: chr3-12608777-G-A. GRCh37 (hg19) VCF-style: chr3-12650276-G-A.
Other names: c.570C>T, p.Ile190= (NM_001354689.3, NM_001354690.3, NM_001354693.3); c.327C>T, p.Ile109= (NM_001354691.3, NM_001354692.3, NM_001354694.3 and 1 more transcripts).
Identifiers: ClinVar variation 506890 (VCV000506890.19), dbSNP rs780912024, ClinGen allele CA2259746.